The following is an entry in ClinVar:

ClinVar aggregate classification (germline): Likely pathogenic (1 of 4 stars; one submission).

Conditions:
Skeletal dysplasia, mild, with joint laxity and advanced bone age. Identifiers: MedGen C5394341, MONDO:0030029, OMIM 618870.

gnomAD v4.1: 6 of 1,613,786 alleles (0.00037%); highest among the groups gnomAD compares: Non-Finnish European, 0.00051%; no homozygotes.

Submission:

Clinical Genetics Laboratory, Skane University Hospital Lund
Classification: Likely pathogenic for Skeletal dysplasia, mild, with joint laxity and advanced bone age. Last evaluated: 2025-08-20. Review status: criteria provided, single submitter. Criteria: ACMG Guidelines, 2015. Collection method: clinical testing. Allele origin: germline. Affected: yes.
Comment: ACMG-criteria used: PVS1, PM2

NM_001354483.2(CSGALNACT1):c.868C>T (p.Gln290Ter)

Gene: CSGALNACT1 (chondroitin sulfate N-acetylgalactosaminyltransferase 1; minus strand). Cytogenetic location: 8p21.3.
Variant type: single nucleotide variant.
Coding change: c.868C>T on transcript NM_001354483.2 (MANE Select); coding-DNA position 868, C replaced by T.
Protein change: p.Gln290Ter; replaces glutamine 290 with a stop codon.
Molecular consequence: nonsense. On other transcripts: non-coding transcript variant (7).
Genome position (GRCh38, 1-based): chr8:19,439,915, G>A on the plus strand (C>T on the coding strand, the complement: CSGALNACT1 is on the minus strand). VCF-style: chr8-19439915-G-A. GRCh37 (hg19) VCF-style: chr8-19297426-G-A.
Other names: c.868C>T, p.Gln290Ter (NM_001354489.2, NM_001354490.2, NM_001354491.2 and 18 more transcripts); short protein forms Q290*.
Identifiers: ClinVar variation 4075424 (VCV004075424.1).